The following is an entry in ClinVar:

ClinVar aggregate classification (germline): Uncertain significance (1 of 4 stars; one submission).

Submission:

Labcorp Genetics (formerly Invitae), Labcorp
Classification: Uncertain significance. Last evaluated: 2022-02-25. Review status: criteria provided, single submitter. Criteria: Invitae Variant Classification Sherloc (09022015). Collection method: clinical testing. Allele origin: germline.
Comment: This variant has not been reported in the literature in individuals affected with LRP2-related conditions. This variant is not present in population databases (gnomAD no frequency). This sequence change replaces serine, which is neutral and polar, with threonine, which is neutral and polar, at codon 2042 of the LRP2 protein (p.Ser2042Thr). Advanced modeling of protein sequence and biophysical properties (such as structural, functional, and spatial information, amino acid conservation, physicochemical variation, residue mobility, and thermodynamic stability) performed at Invitae indicates that this missense variant is not expected to disrupt LRP2 protein function. In summary, the available evidence is currently insufficient to determine the role of this variant in disease. Therefore, it has been classified as a Variant of Uncertain Significance.

NM_004525.3(LRP2):c.6124T>A (p.Ser2042Thr)

Gene: LRP2 (LDL receptor related protein 2; minus strand). Cytogenetic location: 2q31.1.
Variant type: single nucleotide variant.
Coding change: c.6124T>A on transcript NM_004525.3 (MANE Select); coding-DNA position 6124, T replaced by A.
Protein change: p.Ser2042Thr; replaces serine 2042 with threonine.
Molecular consequence: missense variant.
Genome position (GRCh38, 1-based): chr2:169,212,124, A>T on the plus strand (T>A on the coding strand, the complement: LRP2 is on the minus strand). VCF-style: chr2-169212124-A-T. GRCh37 (hg19) VCF-style: chr2-170068634-A-T.
Other names: short protein forms S2042T.
Identifiers: ClinVar variation 2087574 (VCV002087574.4), dbSNP rs2545821759, ClinGen allele CA349132001.